The following is an entry in ClinVar:

ClinVar aggregate classification (germline): Uncertain significance (1 of 4 stars; one submission).

Allele frequency attached by ClinVar (database versions not stated): gnomAD 0.00001; gnomAD exomes 0.00002.
gnomAD v4.1: 25 of 1,571,100 alleles (0.0016%); highest among the groups gnomAD compares: Non-Finnish European, 0.0021%; no homozygotes.

Submission:

Labcorp Genetics (formerly Invitae), Labcorp
Classification: Uncertain significance. Last evaluated: 2024-09-04. Review status: criteria provided, single submitter. Criteria: Invitae Variant Classification Sherloc (09022015). Collection method: clinical testing. Allele origin: germline.
Comment: This sequence change replaces leucine, which is neutral and non-polar, with phenylalanine, which is neutral and non-polar, at codon 8 of the CACNA2D4 protein (p.Leu8Phe). The frequency data for this variant in the population databases is considered unreliable, as metrics indicate poor data quality at this position in the gnomAD database. This variant has not been reported in the literature in individuals affected with CACNA2D4-related conditions. ClinVar contains an entry for this variant (Variation ID: 1923734). An algorithm developed to predict the effect of missense changes on protein structure and function outputs the following: PolyPhen-2: "Benign". The phenylalanine amino acid residue is found in multiple mammalian species, which suggests that this missense change does not adversely affect protein function. In summary, the available evidence is currently insufficient to determine the role of this variant in disease. Therefore, it has been classified as a Variant of Uncertain Significance.

NM_172364.5(CACNA2D4):c.22C>T (p.Leu8Phe)

Gene: CACNA2D4 (calcium voltage-gated channel auxiliary subunit alpha2delta 4; minus strand). Cytogenetic location: 12p13.33.
Variant type: single nucleotide variant.
Coding change: c.22C>T on transcript NM_172364.5 (MANE Select); coding-DNA position 22, C replaced by T.
Protein change: p.Leu8Phe; replaces leucine 8 with phenylalanine.
Molecular consequence: missense variant.
Genome position (GRCh38, 1-based): chr12:1,918,452, G>A on the plus strand (C>T on the coding strand, the complement: CACNA2D4 is on the minus strand). VCF-style: chr12-1918452-G-A. GRCh37 (hg19) VCF-style: chr12-2027618-G-A.
Other names: short protein forms L8F.
Identifiers: ClinVar variation 1923734 (VCV001923734.5), dbSNP rs758318513, ClinGen allele CA231592491.
Genomic context (GRCh38, chr12:1,918,452, plus strand): 5'-GGTTTGCGAGGAAGTTGGGAGTTGCAGGCATGGTGGGCCTGGGGTTGGGGAGGGGAAGGA[G>A]GGCAGAGCAGCCACAGACCATGAGCTCTGTCTGCCTTCCTCCCAGACCCCAGGACGCCCC-3'
Protein context (NP_758952.4, residues 1-18): MVCGCSA[Leu8Phe]LPLPNPRPTM